The following is an entry in ClinVar:

ClinVar aggregate classification (germline): Uncertain significance (1 of 4 stars; one submission).

Allele frequency attached by ClinVar (database versions not stated): gnomAD exomes below 0.00001.
gnomAD v4.1: 2 of 1,611,354 alleles (0.00012%); highest among the groups gnomAD compares: East Asian, 0.0045%; no homozygotes.

Submission:

Labcorp Genetics (formerly Invitae), Labcorp
Classification: Uncertain significance. Last evaluated: 2025-04-01. Review status: criteria provided, single submitter. Criteria: Invitae Variant Classification Sherloc (09022015). Collection method: clinical testing. Allele origin: germline.
Comment: This sequence change replaces glutamine, which is neutral and polar, with glutamic acid, which is acidic and polar, at codon 876 of the MSH3 protein (p.Gln876Glu). This variant is not present in population databases (gnomAD no frequency). This variant has not been reported in the literature in individuals affected with MSH3-related conditions. ClinVar contains an entry for this variant (Variation ID: 947114). An algorithm developed to predict the effect of missense changes on protein structure and function (PolyPhen-2) suggests that this variant is likely to be disruptive. In summary, the available evidence is currently insufficient to determine the role of this variant in disease. Therefore, it has been classified as a Variant of Uncertain Significance.

NM_002439.5(MSH3):c.2626C>G (p.Gln876Glu)

Gene: MSH3 (mutS homolog 3; plus strand). Cytogenetic location: 5q14.1.
Variant type: single nucleotide variant.
Coding change: c.2626C>G on transcript NM_002439.5 (MANE Select); coding-DNA position 2626, C replaced by G.
Protein change: p.Gln876Glu; replaces glutamine 876 with glutamic acid.
Molecular consequence: missense variant.
Genome position (GRCh38, 1-based): chr5:80,792,815, C>G. VCF-style: chr5-80792815-C-G. GRCh37 (hg19) VCF-style: chr5-80088634-C-G.
Other names: short protein forms Q876E.
Identifiers: ClinVar variation 947114 (VCV000947114.9), dbSNP rs1744631488, ClinGen allele CA360273004.